The following is an entry in ClinVar:

ClinVar aggregate classification (germline): Uncertain significance (1 of 4 stars; one submission).

Conditions:
Von Hippel-Lindau syndrome (VHLS). Also called: Von Hippel-Lindau; VHL syndrome; von Hippel–Lindau syndrome. Identifiers: Orphanet 892, MedGen C0019562, MONDO:0008667, OMIM 193300. Disease mechanism: loss of function.
Chuvash polycythemia. Also called: POLYCYTHEMIA, VHL-DEPENDENT. Identifiers: Orphanet 238557, MedGen C1837915, MONDO:0009892, OMIM 263400.

Submission:

Labcorp Genetics (formerly Invitae), Labcorp
Classification: Uncertain significance for Von Hippel-Lindau syndrome; Chuvash polycythemia. Last evaluated: 2024-08-24. Review status: criteria provided, single submitter. Criteria: Invitae Variant Classification Sherloc (09022015). Collection method: clinical testing. Allele origin: germline.
Comment: This sequence change replaces glutamic acid, which is acidic and polar, with valine, which is neutral and non-polar, at codon 21 of the VHL protein (p.Glu21Val). This variant is not present in population databases (gnomAD no frequency). This variant has not been reported in the literature in individuals affected with VHL-related conditions. ClinVar contains an entry for this variant (Variation ID: 660872). Invitae Evidence Modeling of protein sequence and biophysical properties (such as structural, functional, and spatial information, amino acid conservation, physicochemical variation, residue mobility, and thermodynamic stability) indicates that this missense variant is not expected to disrupt VHL protein function with a negative predictive value of 95%. In summary, the available evidence is currently insufficient to determine the role of this variant in disease. Therefore, it has been classified as a Variant of Uncertain Significance.

NM_000551.4(VHL):c.62A>T (p.Glu21Val)

Gene: VHL (von Hippel-Lindau tumor suppressor; plus strand). Cytogenetic location: 3p25.3.
Variant type: single nucleotide variant.
Coding change: c.62A>T on transcript NM_000551.4 (MANE Select); coding-DNA position 62, A replaced by T.
Protein change: p.Glu21Val; replaces glutamic acid 21 with valine.
Molecular consequence: missense variant.
Genome position (GRCh38, 1-based): chr3:10,141,909, A>T. VCF-style: chr3-10141909-A-T. GRCh37 (hg19) VCF-style: chr3-10183593-A-T.
Other names: c.62A>T, p.Glu21Val (NM_001354723.2, NM_198156.3); short protein forms E21V.
Identifiers: ClinVar variation 660872 (VCV000660872.9), dbSNP rs1060503548, ClinGen allele CA351747354.